The following is an entry in ClinVar:

NM_004360.5(CDH1):c.102C>T (p.Ala34=)

Gene: CDH1 (cadherin 1; plus strand). Cytogenetic location: 16q22.1.
Variant type: single nucleotide variant.
Coding change: c.102C>T on transcript NM_004360.5 (MANE Select); coding-DNA position 102, C replaced by T.
Protein change: p.Ala34=; no amino-acid change (alanine 34 retained).
Molecular consequence: synonymous variant. On other transcripts: 5 prime UTR variant (2).
Genome position (GRCh38, 1-based): chr16:68,738,350, C>T. VCF-style: chr16-68738350-C-T. GRCh37 (hg19) VCF-style: chr16-68772253-C-T.
Other names: c.102C>T (LRG_301t1); c.102C>T, p.Ala34= (NM_001317184.2); c.-1514C>T (NM_001317185.2); c.-1718C>T (NM_001317186.2).
Identifiers: ClinVar variation 219699 (VCV000219699.16), dbSNP rs864622213, ClinGen allele CA350820.

ClinVar aggregate classification (germline): Benign/Likely benign. Review status: criteria provided, multiple submitters, no conflicts (2 of 4 stars). 4 submissions from 4 submitters: Benign (1); Likely benign (3). Last evaluated 2024-09-11.

Conditions:
Hereditary cancer-predisposing syndrome. Also called: Tumor predisposition; Hereditary neoplastic syndrome; Neoplastic Syndromes, Hereditary; Hereditary Cancer Syndrome. Identifiers: Orphanet 140162, MedGen C0027672, MeSH D009386, MONDO:0015356.
Hereditary diffuse gastric adenocarcinoma (HDGC). Also called: DIFFUSE GASTRIC AND LOBULAR BREAST CANCER SYNDROME. Identifiers: Orphanet 26106, MedGen C1708349, MONDO:0007648, OMIM 137215.

Submissions (4):

Myriad Genetics, Inc.
Classification: Benign for Hereditary diffuse gastric adenocarcinoma. Last evaluated: 2024-09-11. Review status: criteria provided, single submitter. Criteria: Myriad Autosomal Dominant, Autosomal Recessive and X-Linked Classification Criteria (2023). Collection method: clinical testing. Allele origin: unknown.
Comment: This variant is considered benign. This variant is a silent/synonymous amino acid change and it is not expected to impact splicing.

Labcorp Genetics (formerly Invitae), Labcorp
Classification: Likely benign for Hereditary diffuse gastric adenocarcinoma. Last evaluated: 2022-11-24. Review status: criteria provided, single submitter. Criteria: Invitae Variant Classification Sherloc (09022015). Collection method: clinical testing. Allele origin: germline.

Ambry Genetics
Classification: Likely benign for Hereditary cancer-predisposing syndrome. Last evaluated: 2020-12-02. Review status: criteria provided, single submitter. Criteria: Ambry Variant Classification Scheme 2023. Collection method: clinical testing. Allele origin: germline.

Color Diagnostics, LLC DBA Color Health
Classification: Likely benign for Hereditary cancer-predisposing syndrome. Last evaluated: 2019-02-22. Review status: criteria provided, single submitter. Criteria: ACMG Guidelines, 2015. Collection method: clinical testing. Allele origin: germline.